The following is an entry in ClinVar:

NM_001371986.1(UNC80):c.5024C>T (p.Ala1675Val)

Gene: UNC80 (unc-80 subunit of NALCN channel complex; plus strand). Cytogenetic location: 2q34.
Variant type: single nucleotide variant.
Coding change: c.5024C>T on transcript NM_001371986.1 (MANE Select); coding-DNA position 5024, C replaced by T.
Protein change: p.Ala1675Val; replaces alanine 1675 with valine.
Molecular consequence: missense variant.
Genome position (GRCh38, 1-based): chr2:209,913,935, C>T. VCF-style: chr2-209913935-C-T. GRCh37 (hg19) VCF-style: chr2-210778659-C-T.
Other names: c.4811C>T, p.Ala1604Val (NM_182587.4); c.4826C>T, p.Ala1609Val (NM_032504.2); short protein forms A1609V, A1675V, A1604V.
Identifiers: ClinVar variation 2061526 (VCV002061526.4), dbSNP rs1336013617, ClinGen allele CA350757085.

ClinVar aggregate classification (germline): Uncertain significance (1 of 4 stars; one submission).

Submission:

Labcorp Genetics (formerly Invitae), Labcorp
Classification: Uncertain significance. Last evaluated: 2022-11-29. Review status: criteria provided, single submitter. Criteria: Invitae Variant Classification Sherloc (09022015). Collection method: clinical testing. Allele origin: germline.
Comment: In summary, the available evidence is currently insufficient to determine the role of this variant in disease. Therefore, it has been classified as a Variant of Uncertain Significance. Advanced modeling of protein sequence and biophysical properties (such as structural, functional, and spatial information, amino acid conservation, physicochemical variation, residue mobility, and thermodynamic stability) performed at Invitae indicates that this missense variant is not expected to disrupt UNC80 protein function. This variant has not been reported in the literature in individuals affected with UNC80-related conditions. This variant is not present in population databases (gnomAD no frequency). This sequence change replaces alanine, which is neutral and non-polar, with valine, which is neutral and non-polar, at codon 1609 of the UNC80 protein (p.Ala1609Val).